The following is an entry in ClinVar:

NM_003070.5(SMARCA2):c.2332A>C (p.Ile778Leu)

Gene: SMARCA2 (SWI/SNF related BAF chromatin remodeling complex subunit ATPase 2; plus strand). Cytogenetic location: 9p24.3.
Variant type: single nucleotide variant.
Coding change: c.2332A>C on transcript NM_003070.5 (MANE Select); coding-DNA position 2332, A replaced by C.
Protein change: p.Ile778Leu; replaces isoleucine 778 with leucine.
Molecular consequence: missense variant.
Genome position (GRCh38, 1-based): chr9:2,081,979, A>C. VCF-style: chr9-2081979-A-C. GRCh37 (hg19) VCF-style: chr9-2081979-A-C.
Other names: c.2332A>C, p.Ile778Leu (NM_001289396.2, NM_001289397.2, NM_139045.4); short protein forms I778L.
Identifiers: ClinVar variation 2316216 (VCV002316216.3), dbSNP rs2130464626, ClinGen allele CA372784312.

ClinVar aggregate classification (germline): Conflicting classifications of pathogenicity. Review status: criteria provided, conflicting classifications (1 of 4 stars). 2 submissions from 2 submitters: Uncertain significance (1); Likely benign (1). Last evaluated 2023-07-12.

Conditions:
Inborn genetic diseases. Identifiers: MedGen C0950123, MeSH D030342.

Submissions (2):

GeneDx
Classification: Likely benign. Last evaluated: 2023-07-12. Review status: criteria provided, single submitter. Criteria: GeneDx Variant Classification Process June 2021. Collection method: clinical testing. Allele origin: germline. Affected: yes.
Comment: See Variant Classification Assertion Criteria.

Ambry Genetics
Classification: Uncertain significance for Inborn genetic diseases. Last evaluated: 2022-10-04. Review status: criteria provided, single submitter. Criteria: Ambry Variant Classification Scheme 2023. Collection method: clinical testing. Allele origin: germline.